The following is an entry in ClinVar:

NM_022166.4(XYLT1):c.2105A>T (p.His702Leu)

Gene: XYLT1 (xylosyltransferase 1; minus strand). Cytogenetic location: 16p12.3.
Variant type: single nucleotide variant.
Coding change: c.2105A>T on transcript NM_022166.4 (MANE Select); coding-DNA position 2105, A replaced by T.
Protein change: p.His702Leu; replaces histidine 702 with leucine.
Molecular consequence: missense variant.
Genome position (GRCh38, 1-based): chr16:17,127,784, T>A on the plus strand (A>T on the coding strand, the complement: XYLT1 is on the minus strand). VCF-style: chr16-17127784-T-A. GRCh37 (hg19) VCF-style: chr16-17221641-T-A.
Other names: short protein forms H702L.
Identifiers: ClinVar variation 2142654 (VCV002142654.4), dbSNP rs1411023760, ClinGen allele CA395219125.
Genomic context (GRCh38, chr16:17,127,784, plus strand): 5'-TTCGGCATCACCCAGGTCTCCAGAGTCTCTAGTTTGCTCACAGCCAGATTGGTAGCATGA[T>A]GCTTGATCAGAAAGCCCTGGAAGCGGTCAGCAAGGAAGTAGAGGTGCACAGATGCTGGGT-3'
Protein context (NP_071449.1, residues 692-712): ADRFQGFLIK[His702Leu]HATNLAVSKL

ClinVar aggregate classification (germline): Uncertain significance (1 of 4 stars; one submission).

Conditions:
Desbuquois dysplasia 1 (DBQD1). Also called: DESBUQUOIS DYSPLASIA 1, KIM VARIANT; MICROMELIC DWARFISM WITH VERTEBRAL AND METAPHYSEAL ABNORMALITIES AND ADVANCED CARPOTARSAL OSSIFICATION. Identifiers: Orphanet 1425, MedGen C4012146, MONDO:0009629, OMIM 251450.

Allele frequency attached by ClinVar (database versions not stated): gnomAD 0.00001.
gnomAD v4.1: 5 of 1,614,188 alleles (0.00031%); highest among the groups gnomAD compares: Middle Eastern, 0.033%; no homozygotes.

Submission:

Labcorp Genetics (formerly Invitae), Labcorp
Classification: Uncertain significance for Desbuquois dysplasia 1. Last evaluated: 2025-01-27. Review status: criteria provided, single submitter. Criteria: Invitae Variant Classification Sherloc (09022015). Collection method: clinical testing. Allele origin: germline.
Comment: This sequence change replaces histidine, which is basic and polar, with leucine, which is neutral and non-polar, at codon 702 of the XYLT1 protein (p.His702Leu). This variant is not present in population databases (gnomAD no frequency). This variant has not been reported in the literature in individuals affected with XYLT1-related conditions. ClinVar contains an entry for this variant (Variation ID: 2142654). Invitae Evidence Modeling of protein sequence and biophysical properties (such as structural, functional, and spatial information, amino acid conservation, physicochemical variation, residue mobility, and thermodynamic stability) indicates that this missense variant is not expected to disrupt XYLT1 protein function with a negative predictive value of 80%. In summary, the available evidence is currently insufficient to determine the role of this variant in disease. Therefore, it has been classified as a Variant of Uncertain Significance.